The following is an entry in ClinVar:

ClinVar aggregate classification (germline): Uncertain significance (1 of 4 stars; one submission).

Conditions:
Cardiovascular phenotype. Identifiers: MedGen CN230736.

gnomAD v4.1: 1 of 1,614,174 alleles (0.000062%); highest among the groups gnomAD compares: Non-Finnish European, 0.000085%; no homozygotes.

Submission:

Ambry Genetics
Classification: Uncertain significance for Cardiovascular phenotype. Last evaluated: 2025-02-01. Review status: criteria provided, single submitter. Criteria: Ambry Variant Classification Scheme 2023. Collection method: clinical testing. Allele origin: germline.
Comment: The p.P355S variant (also known as c.1063C>T), located in coding exon 8 of the ABCG5 gene, results from a C to T substitution at nucleotide position 1063. The proline at codon 355 is replaced by serine, an amino acid with similar properties. This amino acid position is conserved. In addition, this alteration is predicted to be deleterious by in silico analysis. Based on the available evidence, the clinical significance of this variant remains unclear.

NM_022436.3(ABCG5):c.1063C>T (p.Pro355Ser)

Genes: ABCG5 (ATP binding cassette subfamily G member 5; minus strand), DYNC2LI1 (dynein cytoplasmic 2 light intermediate chain 1; plus strand). Cytogenetic location: 2p21.
Variant type: single nucleotide variant.
Coding change: c.1063C>T on transcript NM_022436.3 (MANE Select); coding-DNA position 1063, C replaced by T.
Protein change: p.Pro355Ser; replaces proline 355 with serine.
Molecular consequence: missense variant. On other transcripts: intron variant (2).
Genome position (GRCh38, 1-based): chr2:43,824,274, G>A on the plus strand (C>T on the coding strand, the complement: ABCG5 is on the minus strand). VCF-style: chr2-43824274-G-A. GRCh37 (hg19) VCF-style: chr2-44051413-G-A.
Other names: c.*16-3112G>A (NM_001348913.2, NM_001348912.2); short protein forms P355S.
Identifiers: ClinVar variation 3887337 (VCV003887337.1).